The following is an entry in ClinVar:

NM_000751.3(CHRND):c.932+2T>A

Gene: CHRND (cholinergic receptor nicotinic delta subunit; plus strand). Cytogenetic location: 2q37.1.
Variant type: single nucleotide variant.
Coding change: c.932+2T>A on transcript NM_000751.3 (MANE Select); the canonical splice donor site of the intron after coding-DNA position 932, T replaced by A.
Molecular consequence: splice donor variant.
Genome position (GRCh38, 1-based): chr2:232,531,465, T>A. VCF-style: chr2-232531465-T-A. GRCh37 (hg19) VCF-style: chr2-233396175-T-A.
Other names: c.350+2T>A (NM_001311195.2); c.629+2T>A (NM_001311196.2); c.887+2T>A (NM_001256657.2).
Identifiers: ClinVar variation 1956161 (VCV001956161.5), dbSNP rs748559696, ClinGen allele CA2168195.

ClinVar aggregate classification (germline): Likely pathogenic (1 of 4 stars; one submission).

Conditions:
Lethal multiple pterygium syndrome (LMPS). Identifiers: Orphanet 33108, MedGen C1854678, MONDO:0009668, OMIM 253290.

Allele frequency attached by ClinVar (database versions not stated): gnomAD exomes below 0.00001; ExAC 0.00001.
gnomAD v4.1: 2 of 1,613,712 alleles (0.00012%); highest among the groups gnomAD compares: Middle Eastern, 0.016%; no homozygotes.

Submission:

Labcorp Genetics (formerly Invitae), Labcorp
Classification: Likely pathogenic for Lethal multiple pterygium syndrome. Last evaluated: 2022-07-10. Review status: criteria provided, single submitter. Criteria: Invitae Variant Classification Sherloc (09022015). Collection method: clinical testing. Allele origin: germline.
Comment: This sequence change affects a donor splice site in intron 8 of the CHRND gene. It is expected to disrupt RNA splicing. Variants that disrupt the donor or acceptor splice site typically lead to a loss of protein function (PMID: 16199547), and loss-of-function variants in CHRND are known to be pathogenic (PMID: 11435464, 25264167). This variant is present in population databases (rs748559696, gnomAD 0.003%). This variant has not been reported in the literature in individuals affected with CHRND-related conditions. Algorithms developed to predict the effect of sequence changes on RNA splicing suggest that this variant may disrupt the consensus splice site. In summary, the currently available evidence indicates that the variant is pathogenic, but additional data are needed to prove that conclusively. Therefore, this variant has been classified as Likely Pathogenic.

Literature cited by the submitters: PubMed 16199547; PubMed 11435464; PubMed 25264167.